The following is an entry in ClinVar:

NM_020738.4(KIDINS220):c.2880C>G (p.Phe960Leu)

Gene: KIDINS220 (kinase D interacting substrate 220; minus strand). Cytogenetic location: 2p25.1.
Variant type: single nucleotide variant.
Coding change: c.2880C>G on transcript NM_020738.4 (MANE Select); coding-DNA position 2880, C replaced by G.
Protein change: p.Phe960Leu; replaces phenylalanine 960 with leucine.
Molecular consequence: missense variant. On other transcripts: non-coding transcript variant (2).
Genome position (GRCh38, 1-based): chr2:8,770,801, G>C on the plus strand (C>G on the coding strand, the complement: KIDINS220 is on the minus strand). VCF-style: chr2-8770801-G-C. GRCh37 (hg19) VCF-style: chr2-8910931-G-C.
Other names: c.2883C>G, p.Phe961Leu (NM_001348729.2, NM_001348731.2, NM_001348734.2 and 3 more transcripts); c.2880C>G, p.Phe960Leu (NM_001348732.2, NM_001348735.2, NM_001348738.2 and 3 more transcripts); c.2754C>G, p.Phe918Leu (NM_001348736.2); short protein forms F918L, F960L, F961L.
Identifiers: ClinVar variation 2076649 (VCV002076649.4), dbSNP rs2527831255, ClinGen allele CA345774005.

ClinVar aggregate classification (germline): Uncertain significance (1 of 4 stars; one submission).

Submission:

Labcorp Genetics (formerly Invitae), Labcorp
Classification: Uncertain significance. Last evaluated: 2025-06-20. Review status: criteria provided, single submitter. Criteria: Invitae Variant Classification Sherloc (09022015). Collection method: clinical testing. Allele origin: germline.
Comment: This sequence change replaces phenylalanine, which is neutral and non-polar, with leucine, which is neutral and non-polar, at codon 960 of the KIDINS220 protein (p.Phe960Leu). This variant is not present in population databases (gnomAD no frequency). This variant has not been reported in the literature in individuals affected with KIDINS220-related conditions. ClinVar contains an entry for this variant (Variation ID: 2076649). An algorithm developed to predict the effect of missense changes on protein structure and function (PolyPhen-2) suggests that this variant is likely to be tolerated. In summary, the available evidence is currently insufficient to determine the role of this variant in disease. Therefore, it has been classified as a Variant of Uncertain Significance.